The following is an entry in ClinVar:

NM_000361.3(THBD):c.1483C>T (p.Pro495Ser)

Gene: THBD (thrombomodulin; minus strand). Cytogenetic location: 20p11.21.
Variant type: single nucleotide variant.
Coding change: c.1483C>T on transcript NM_000361.3 (MANE Select); coding-DNA position 1483, C replaced by T.
Protein change: p.Pro495Ser; replaces proline 495 with serine.
Molecular consequence: missense variant.
Genome position (GRCh38, 1-based): chr20:23,048,022, G>A on the plus strand (C>T on the coding strand, the complement: THBD is on the minus strand). VCF-style: chr20-23048022-G-A. GRCh37 (hg19) VCF-style: chr20-23028659-G-A.
Other names: short protein forms P495S.
Identifiers: ClinVar variation 12720 (VCV000012720.47), dbSNP rs1800578, ClinGen allele CA256543.
Genomic context (GRCh38, chr20:23,048,022, plus strand): 5'-AATGCACGAGCCCCACGGCCGGAGGAGTCAAGGTGGAGCCGGGCGTCGGGCTGGGCGGGG[G>A]CTCGCCAGAGCCGCTGTCGCCACCGTCCACCTTGCCGGAGTCACAGTCGGTGCCAATGTG-3'
Protein context (NP_000352.1, residues 485-505): VDGGDSGSGE[Pro495Ser]PPSPTPGSTL

ClinVar aggregate classification (germline): Conflicting classifications of pathogenicity. Review status: criteria provided, conflicting classifications (1 of 4 stars). 10 submissions from 10 submitters: Uncertain significance (3); Benign (1); Likely benign (3). 3 of the submissions do not count toward it. Last evaluated 2026-09-01.

Conditions:
THBD-related disorder. Also called: THBD-related condition.
Atypical hemolytic-uremic syndrome. Identifiers: Orphanet 2134, MedGen C2931788, MONDO:0016244.
Thrombomodulin-related bleeding disorder (THPH12). Also called: Thrombophilia due to thrombomodulin defect. Identifiers: Orphanet 436169, MedGen C3280976, MONDO:0013775, OMIM 614486.
Atypical hemolytic-uremic syndrome with thrombomodulin anomaly. Also called: HEMOLYTIC UREMIC SYNDROME, ATYPICAL, SUSCEPTIBILITY TO, 6; AHUS, SUSCEPTIBILITY TO, 6. Identifiers: MedGen C2752036, MONDO:0013044, OMIM 612926. Disease mechanism: gain of function.

Allele frequency attached by ClinVar (database versions not stated): 1000 Genomes Project 30x 0.00016; gnomAD exomes 0.00049; gnomAD 0.00057; ExAC 0.00058; TOPMed 0.00083.
gnomAD v4.1: 2,203 of 1,609,724 alleles (0.14%); highest among the groups gnomAD compares: Non-Finnish European, 0.17%; 3 homozygotes.

Submissions (10):

CeGaT Center for Human Genetics Tuebingen
Classification: Benign. Last evaluated: 2026-09-01. Review status: criteria provided, single submitter. Criteria: CeGaT Center For Human Genetics Tuebingen Variant Classification Criteria Version 2. Collection method: clinical testing. Allele origin: germline. Affected: yes. Observed: 3 variant alleles.
Comment: THBD: BP4, BS1, BS2

Labcorp Genetics (formerly Invitae), Labcorp
Classification: Likely benign. Last evaluated: 2026-02-02. Review status: criteria provided, single submitter. Criteria: Invitae Variant Classification Sherloc (09022015). Collection method: clinical testing. Allele origin: germline.

Genomenon, Inc
Classification: Likely benign for Thrombomodulin-related bleeding disorder. Last evaluated: 2025-09-22. Review status: criteria provided, single submitter. Criteria: Genomenon Sequence Variant Interpretation Standards - Updated. Collection method: curation. Allele origin: germline. Affected: no.
Comment: THBD p.Pro495Ser (c.1483C>T) is a missense variant that changes the amino acid at residue 495 from Proline to Serine. This variant has been reported in the published literature (PMID:11986219;28844315;19625716;30487789;30674459;28752844;34970867). In silico models agree that this variant is not damaging. This variant’s allele frequency in gnomAD is greater than expected for this disorder. In conclusion, we classify THBD p.Pro495Ser (c.1483C>T) as a likely benign variant.

Mayo Clinic Laboratories, Mayo Clinic
Classification: Uncertain significance. Last evaluated: 2025-07-01. Review status: criteria provided, single submitter. Criteria: ACMG Guidelines, 2015. Collection method: clinical testing. Allele origin: germline. Observed: 7 variant alleles.
Comment: BP4

Blueprint Genetics
Classification: Likely benign. Last evaluated: 2024-10-16. Review status: criteria provided, single submitter. Criteria: ACMG Guidelines, 2015. Collection method: clinical testing. Allele origin: germline.

Genome Diagnostics Laboratory, The Hospital for Sick Children
Classification: Uncertain significance for Atypical hemolytic-uremic syndrome. Last evaluated: 2021-10-13. Review status: criteria provided, single submitter. Criteria: ACMG Guidelines, 2015. Collection method: clinical testing. Allele origin: germline.

ISTH-SSC Genomics in Thrombosis and Hemostasis, KU Leuven, Center for Molecular and Vascular Biology
Classification: Uncertain significance for Thrombomodulin-related bleeding disorder. Review status: criteria provided, single submitter. Criteria: ACMG Guidelines, 2015. Collection method: clinical testing. Allele origin: germline. Affected: yes. Observed: 1 heterozygote.
Comment: Submitted to the GoldVariant database by Kathleen Freson, Center for Molecular and Vascular Biology

PreventionGenetics, part of Exact Sciences
Classification: Likely benign for THBD-related condition. Last evaluated: 2024-02-05. Review status: no assertion criteria provided. Collection method: clinical testing. Allele origin: germline. Not counted in ClinVar's aggregate classification.
Comment: This variant is classified as likely benign based on ACMG/AMP sequence variant interpretation guidelines (Richards et al. 2015 PMID: 25741868, with internal and published modifications).

Sydney Genome Diagnostics, Children's Hospital Westmead
Classification: Pathogenic for Atypical hemolytic-uremic syndrome. Last evaluated: 2018-09-06. Review status: no assertion criteria provided. Collection method: clinical testing. Allele origin: unknown. Affected: yes. Observed: 1 variant allele, 1 heterozygote. Not counted in ClinVar's aggregate classification.
Comment: This variant (dbSNP: rs1800578) is in the ExAC database with an allele frequency of 0.10% (51/50264 alleles) in the European non-Finnish population. Other clinical findings were residual renal dysfunction and low serum C3 levels (Delvaeye et al 2009 N Eng J Med 361:345-57). The authors also performed in vitro functional studies which showed the mutant THBD protein did not protect against complement activation.

OMIM
Classification: risk factor for HEMOLYTIC UREMIC SYNDROME, ATYPICAL, SUSCEPTIBILITY TO, 6. Last evaluated: 2009-07-23. Review status: no assertion criteria provided. Collection method: literature only. Allele origin: germline. Not counted in ClinVar's aggregate classification.

Literature cited by the submitters: PubMed 11986219 (cited by Genomenon, Inc); PubMed 28844315 (cited by Genomenon, Inc); PubMed 19625716 (cited by 3 submitters); PubMed 30487789 (cited by Genomenon, Inc); PubMed 30674459 (cited by Genomenon, Inc and Mayo Clinic Laboratories, Mayo Clinic); PubMed 28752844 (cited by Genomenon, Inc and Mayo Clinic Laboratories, Mayo Clinic); PubMed 34970867 (cited by Genomenon, Inc and Mayo Clinic Laboratories, Mayo Clinic); PubMed 17677000 (cited by Mayo Clinic Laboratories, Mayo Clinic); PubMed 20595690 (cited by Mayo Clinic Laboratories, Mayo Clinic); PubMed 31014550 (cited by Mayo Clinic Laboratories, Mayo Clinic).